The following is an entry in ClinVar:

NM_015021.3(ZNF292):c.3767A>G (p.Asp1256Gly)

Gene: ZNF292 (zinc finger protein 292; plus strand). Cytogenetic location: 6q14.3.
Variant type: single nucleotide variant.
Coding change: c.3767A>G on transcript NM_015021.3 (MANE Select); coding-DNA position 3767, A replaced by G.
Protein change: p.Asp1256Gly; replaces aspartic acid 1256 with glycine.
Molecular consequence: missense variant.
Genome position (GRCh38, 1-based): chr6:87,257,396, A>G. VCF-style: chr6-87257396-A-G. GRCh37 (hg19) VCF-style: chr6-87967114-A-G.
Other names: c.3347A>G, p.Asp1116Gly (NM_001351444.2); short protein forms D1256G, D1116G.
Identifiers: ClinVar variation 5000972 (VCV005000972.1).

ClinVar aggregate classification (germline): Uncertain significance (1 of 4 stars; one submission).

Conditions:
ZNF292-related disorder. Also called: ZNF292-related condition.

Submission:

PreventionGenetics, part of Exact Sciences
Classification: Uncertain significance for ZNF292-related condition. Last evaluated: 2025-05-17. Review status: criteria provided, single submitter. Criteria: ACMG Guidelines, 2015. Collection method: clinical testing. Allele origin: germline.
Comment: The ZNF292 c.3767A>G variant is predicted to result in the amino acid substitution p.Asp1256Gly. To our knowledge, this variant has not been reported in the literature or in a large population database (gnomAD), indicating this variant is rare. At this time, the clinical significance of this variant is uncertain due to the absence of conclusive functional and genetic evidence.